The following is an entry in ClinVar:

ClinVar aggregate classification (germline): Pathogenic (1 of 4 stars; one submission).

gnomAD v4.1: 2 of 1,613,336 alleles (0.00012%); highest among the groups gnomAD compares: Non-Finnish European, 0.00017%; no homozygotes.

Submission:

Labcorp Genetics (formerly Invitae), Labcorp
Classification: Pathogenic. Last evaluated: 2025-07-27. Review status: criteria provided, single submitter. Criteria: Invitae Variant Classification Sherloc (09022015). Collection method: clinical testing. Allele origin: germline.
Comment: This sequence change creates a premature translational stop signal (p.Ser798*) in the ARHGEF18 gene. It is expected to result in an absent or disrupted protein product. Loss-of-function variants in ARHGEF18 are known to be pathogenic (PMID: 28132693). This variant is not present in population databases (gnomAD no frequency). This variant has not been reported in the literature in individuals affected with ARHGEF18-related conditions. For these reasons, this variant has been classified as Pathogenic.

Literature cited by the submitters: PubMed 28132693.

NM_001367823.1(ARHGEF18):c.2957C>A (p.Ser986Ter)

Gene: ARHGEF18 (Rho/Rac guanine nucleotide exchange factor 18; plus strand). Cytogenetic location: 19p13.2.
Variant type: single nucleotide variant.
Coding change: c.2957C>A on transcript NM_001367823.1 (MANE Select); coding-DNA position 2957, C replaced by A.
Protein change: p.Ser986Ter; replaces serine 986 with a stop codon.
Molecular consequence: nonsense.
Genome position (GRCh38, 1-based): chr19:7,466,970, C>A. VCF-style: chr19-7466970-C-A. GRCh37 (hg19) VCF-style: chr19-7531856-C-A.
Other names: c.2231C>A, p.Ser744Ter (NM_001130955.2); c.1919C>A, p.Ser640Ter (NM_001367824.1, NM_015318.4); short protein forms S744*, S640*, S986*.
Identifiers: ClinVar variation 4724151 (VCV004724151.1).